The following is an entry in ClinVar:

ClinVar aggregate classification (germline): Pathogenic. Review status: criteria provided, multiple submitters, no conflicts (2 of 4 stars). 2 submissions from 2 submitters: Pathogenic (2). Last evaluated 2025-09-14.

Conditions:
Oto-palato-digital syndrome, type II (OPD2). Also called: Otopalatodigital Syndrome, Type II; FACIOPALATOOSSEOUS SYNDROME; OPD II SYNDROME; Otopalatodigital Syndrome Type 2 (FLNA-OPD2). Identifiers: Orphanet 669, Orphanet 90652, MedGen C1844696, MONDO:0010571, OMIM 304120.
Frontometaphyseal dysplasia (FMD1). Identifiers: Orphanet 1826, MedGen C0265293, MONDO:0015942.
Heterotopia, periventricular, X-linked dominant (PVNH1). Also called: PERIVENTRICULAR NODULAR HETEROTOPIA 1; X-linked periventricular heterotopia; PERIVENTRICULAR NODULAR HETEROTOPIA 4; HETEROTOPIA, PERIVENTRICULAR, 1. Identifiers: Orphanet 2149, Orphanet 82004, MedGen C1848213, MONDO:0010233, OMIM 300049.
Melnick-Needles syndrome (MNS). Also called: MELNICK-NEEDLES OSTEODYSPLASTY; OSTEODYSPLASTY OF MELNICK AND NEEDLES; Melnick-Needles Syndrome (FLNA-MNS). Identifiers: Orphanet 2484, MedGen C0025237, MONDO:0010650, OMIM 309350.

Submissions (2):

Labcorp Genetics (formerly Invitae), Labcorp
Classification: Pathogenic for Oto-palato-digital syndrome, type II; Heterotopia, periventricular, X-linked dominant; Frontometaphyseal dysplasia; Melnick-Needles syndrome. Last evaluated: 2025-09-14. Review status: criteria provided, single submitter. Criteria: Invitae Variant Classification Sherloc (09022015). Collection method: clinical testing. Allele origin: germline.
Comment: This sequence change creates a premature translational stop signal (p.Arg2411*) in the FLNA gene. It is expected to result in an absent or disrupted protein product. Loss-of-function variants in FLNA are known to be pathogenic (PMID: 16684786, 20730588, 26471271). This variant is not present in population databases (gnomAD no frequency). This premature translational stop signal has been observed in individual(s) with periventricular nodular heterotopia (PMID: 26471271). In at least one individual the variant was observed to be de novo. This variant is also known as c.7255C>T (p.Arg2419*). ClinVar contains an entry for this variant (Variation ID: 234717). For these reasons, this variant has been classified as Pathogenic.

GeneDx
Classification: Pathogenic. Last evaluated: 2025-07-11. Review status: criteria provided, single submitter. Criteria: GeneDx Variant Classification Process June 2021. Collection method: clinical testing. Allele origin: germline. Affected: yes.
Comment: Not observed at significant frequency in large population cohorts (gnomAD); Nonsense variant predicted to result in protein truncation or nonsense mediated decay in a gene for which loss of function is a known mechanism of disease; Previously identified in a proband with cleft lip, patent ductus arteriosus, pulmonary hypertension and interstitial lung disease; no additional information regarding brain imaging was provided (PMID: 33497531); This variant is associated with the following publications: (PMID: 26471271, 33497531)

Literature cited by the submitters: PubMed 16684786 (cited by Labcorp Genetics (formerly Invitae), Labcorp); PubMed 20730588 (cited by Labcorp Genetics (formerly Invitae), Labcorp); PubMed 26471271 (cited by Labcorp Genetics (formerly Invitae), Labcorp).

NM_001110556.2(FLNA):c.7255C>T (p.Arg2419Ter)

Gene: FLNA (filamin A; minus strand). Cytogenetic location: Xq28.
Variant type: single nucleotide variant.
Coding change: c.7255C>T on transcript NM_001110556.2 (MANE Select); coding-DNA position 7255, C replaced by T.
Protein change: p.Arg2419Ter; replaces arginine 2419 with a stop codon.
Molecular consequence: nonsense.
Genome position (GRCh38, 1-based): chrX:154,350,109, G>A on the plus strand (C>T on the coding strand, the complement: FLNA is on the minus strand). VCF-style: chrX-154350109-G-A. GRCh37 (hg19) VCF-style: chrX-153578477-G-A.
Other names: c.7231C>T, p.Arg2411Ter (NM_001456.4); short protein forms R2419*, R2411*.
Identifiers: ClinVar variation 234717 (VCV000234717.13), dbSNP rs782308324, ClinGen allele CA10577654.
Genomic context (GRCh38, chrX:154,350,109, plus strand): 5'-GACCTGCTCCGTAAGCAGACACCAAGCCTGGGTCCCCTCCATGCCCAGGCTCCCCAACTC[G>A]GATCTTGAAGGGGCTTCCAGGGATGTGGGTGCCGTTGAACTTGACGTCAATCAGGTAAAC-3'